The following is an entry in ClinVar:

ClinVar aggregate classification (germline): Uncertain significance. Review status: criteria provided, multiple submitters, no conflicts (2 of 4 stars). 2 submissions from 2 submitters: Uncertain significance (2). Last evaluated 2022-07-13.

Conditions:
Inborn genetic diseases. Identifiers: MedGen C0950123, MeSH D030342.
Joubert syndrome. Also called: CEREBELLOPARENCHYMAL DISORDER IV; JOUBERT-BOLTSHAUSER SYNDROME; Familial aplasia of the vermis. Identifiers: Orphanet 475, MedGen C5979921, MONDO:0018772.

Allele frequency attached by ClinVar (database versions not stated): TOPMed below 0.00001; gnomAD 0.00001; ExAC 0.00002; ESP Exome Variant Server 0.00008.
gnomAD v4.1: 7 of 1,613,802 alleles (0.00043%); highest among the groups gnomAD compares: Non-Finnish European, 0.00059%; no homozygotes.

Submissions (2):

Ambry Genetics
Classification: Uncertain significance for Inborn genetic diseases. Last evaluated: 2022-07-13. Review status: criteria provided, single submitter. Criteria: Ambry Variant Classification Scheme 2023. Collection method: clinical testing. Allele origin: germline.

Labcorp Genetics (formerly Invitae), Labcorp
Classification: Uncertain significance for Joubert syndrome. Last evaluated: 2022-03-13. Review status: criteria provided, single submitter. Criteria: Invitae Variant Classification Sherloc (09022015). Collection method: clinical testing. Allele origin: germline.
Comment: This sequence change replaces isoleucine, which is neutral and non-polar, with methionine, which is neutral and non-polar, at codon 130 of the AHI1 protein (p.Ile130Met). This variant is present in population databases (rs371999812, gnomAD 0.002%). This variant has not been reported in the literature in individuals affected with AHI1-related conditions. Advanced modeling of protein sequence and biophysical properties (such as structural, functional, and spatial information, amino acid conservation, physicochemical variation, residue mobility, and thermodynamic stability) performed at Invitae indicates that this missense variant is not expected to disrupt AHI1 protein function. In summary, the available evidence is currently insufficient to determine the role of this variant in disease. Therefore, it has been classified as a Variant of Uncertain Significance.

NM_001134831.2(AHI1):c.390A>G (p.Ile130Met)

Gene: AHI1 (Abelson helper integration site 1; minus strand). Cytogenetic location: 6q23.3.
Variant type: single nucleotide variant.
Coding change: c.390A>G on transcript NM_001134831.2 (MANE Select); coding-DNA position 390, A replaced by G.
Protein change: p.Ile130Met; replaces isoleucine 130 with methionine.
Molecular consequence: missense variant.
Genome position (GRCh38, 1-based): chr6:135,466,173, T>C on the plus strand (A>G on the coding strand, the complement: AHI1 is on the minus strand). VCF-style: chr6-135466173-T-C. GRCh37 (hg19) VCF-style: chr6-135787311-T-C.
Other names: c.390A>G, p.Ile130Met (NM_001134830.2, NM_001134832.2, NM_001350503.2 and 2 more transcripts); short protein forms I130M.
Identifiers: ClinVar variation 1896321 (VCV001896321.3), dbSNP rs371999812, ClinGen allele CA4012840.
Genomic context (GRCh38, chr6:135,466,173, plus strand): 5'-AACCTTATTCTCAGGAGTTTCCGGTTTCAGGTCTTGTGTAGTCAACTGGGGCACCGTCTT[T>C]ATCACCTTTTTATTTGGCTTTCCTTGTTTGTCTTCCTCTACACTAGCATCACCATTAGGA-3'
Protein context (NP_001128303.1, residues 120-140): DKQGKPNKKV[Ile130Met]KTVPQLTTQD